The following is an entry in ClinVar:

ClinVar aggregate classification (germline): Likely benign (1 of 4 stars; one submission).

Submission:

CeGaT Center for Human Genetics Tuebingen
Classification: Likely benign. Last evaluated: 2025-05-01. Review status: criteria provided, single submitter. Criteria: CeGaT Center For Human Genetics Tuebingen Variant Classification Criteria Version 2. Collection method: clinical testing. Allele origin: germline. Affected: yes. Observed: 1 variant allele.
Comment: COA6: BP4, BP7

NM_001206641.3(COA6):c.144G>A (p.Arg48=)

Gene: COA6 (cytochrome c oxidase assembly factor 6; plus strand). Cytogenetic location: 1q42.2.
Variant type: single nucleotide variant.
Coding change: c.144G>A on transcript NM_001206641.3 (MANE Select); coding-DNA position 144, G replaced by A.
Protein change: p.Arg48=; no amino-acid change (arginine 48 retained).
Molecular consequence: synonymous variant.
Genome position (GRCh38, 1-based): chr1:234,373,610, G>A. VCF-style: chr1-234373610-G-A. GRCh37 (hg19) VCF-style: chr1-234509356-G-A.
Identifiers: ClinVar variation 3905843 (VCV003905843.10).